The following is an entry in ClinVar:

ClinVar aggregate classification (germline): Uncertain significance (1 of 4 stars; one submission).

gnomAD v4.1: 1 of 1,610,982 alleles (0.000062%); highest among the groups gnomAD compares: African/African-American, 0.0013%; no homozygotes.

Submission:

GeneDx
Classification: Uncertain significance. Last evaluated: 2024-09-19. Review status: criteria provided, single submitter. Criteria: GeneDx Variant Classification Process June 2021. Collection method: clinical testing. Allele origin: germline. Affected: yes.
Comment: Not observed at significant frequency in large population cohorts (gnomAD); In silico analysis indicates that this missense variant does not alter protein structure/function; Has not been previously published as pathogenic or benign to our knowledge

NM_004301.5(ACTL6A):c.767A>G (p.Asn256Ser)

Gene: ACTL6A (actin like 6A; plus strand). Cytogenetic location: 3q26.33.
Variant type: single nucleotide variant.
Coding change: c.767A>G on transcript NM_004301.5 (MANE Select); coding-DNA position 767, A replaced by G.
Protein change: p.Asn256Ser; replaces asparagine 256 with serine.
Molecular consequence: missense variant.
Genome position (GRCh38, 1-based): chr3:179,576,912, A>G. VCF-style: chr3-179576912-A-G. GRCh37 (hg19) VCF-style: chr3-179294700-A-G.
Other names: c.641A>G, p.Asn214Ser (NM_177989.4, NM_178042.4); short protein forms N214S, N256S.
Identifiers: ClinVar variation 3774168 (VCV003774168.1).